The following is an entry in ClinVar:

NM_000018.4(ACADVL):c.276C>T (p.Ser92=)

Gene: ACADVL (acyl-CoA dehydrogenase very long chain; plus strand). Cytogenetic location: 17p13.1.
Variant type: single nucleotide variant.
Coding change: c.276C>T on transcript NM_000018.4 (MANE Select); coding-DNA position 276, C replaced by T.
Protein change: p.Ser92=; no amino-acid change (serine 92 retained).
Molecular consequence: synonymous variant.
Genome position (GRCh38, 1-based): chr17:7,220,675, C>T. VCF-style: chr17-7220675-C-T. GRCh37 (hg19) VCF-style: chr17-7123994-C-T.
Other names: c.210C>T, p.Ser70= (NM_001033859.3); c.345C>T, p.Ser115= (NM_001270447.2); c.48C>T, p.Ser16= (NM_001270448.2); c.276C>T (NM_000018.2).
Identifiers: ClinVar variation 1462063 (VCV001462063.4), dbSNP rs530278910, ClinGen allele CA8337616.

ClinVar aggregate classification (germline): Conflicting classifications of pathogenicity. Review status: criteria provided, conflicting classifications (1 of 4 stars). 2 submissions from 2 submitters: Uncertain significance (1); Likely benign (1). Last evaluated 2025-12-30.

Conditions:
Inborn genetic diseases. Identifiers: MedGen C0950123, MeSH D030342.
Very long chain acyl-CoA dehydrogenase deficiency (ACADVLD). Also called: VLCAD Deficiency; Very Long-Chain Acyl-Coenzyme A Dehydrogenase Deficiency. Identifiers: Orphanet 26793, MedGen C3887523, MONDO:0008723, OMIM 201475.

Allele frequency attached by ClinVar (database versions not stated): gnomAD exomes 0.00001; gnomAD 0.00009 and 0.00012; 1000 Genomes Project 30x 0.00016; TOPMed 0.00017; 1000 Genomes Project 0.00020; ExAC 0.00001.
gnomAD v4.1: 24 of 1,614,186 alleles (0.0015%); highest among the groups gnomAD compares: Admixed American, 0.037%; no homozygotes.

Submissions (2):

Ambry Genetics
Classification: Likely benign for Inborn genetic diseases. Last evaluated: 2025-12-30. Review status: criteria provided, single submitter. Criteria: Ambry Variant Classification Scheme 2023. Collection method: clinical testing. Allele origin: germline.

Labcorp Genetics (formerly Invitae), Labcorp
Classification: Uncertain significance for Very long chain acyl-CoA dehydrogenase deficiency. Last evaluated: 2022-09-28. Review status: criteria provided, single submitter. Criteria: Invitae Variant Classification Sherloc (09022015). Collection method: clinical testing. Allele origin: germline.
Comment: This sequence change affects codon 92 of the ACADVL mRNA. It is a 'silent' change, meaning that it does not change the encoded amino acid sequence of the ACADVL protein. It affects a nucleotide within the consensus splice site. The frequency data for this variant in the population databases is considered unreliable, as metrics indicate poor data quality at this position in the gnomAD database. This variant has not been reported in the literature in individuals affected with ACADVL-related conditions. ClinVar contains an entry for this variant (Variation ID: 1462063). Algorithms developed to predict the effect of sequence changes on RNA splicing suggest that this variant is not likely to affect RNA splicing. In summary, the available evidence is currently insufficient to determine the role of this variant in disease. Therefore, it has been classified as a Variant of Uncertain Significance.